The following is an entry in ClinVar:

ClinVar aggregate classification (germline): Likely benign. Review status: criteria provided, multiple submitters, no conflicts (2 of 4 stars). 2 submissions from 2 submitters: Likely benign (2). Last evaluated 2025-11-01.

Conditions:
STING-associated vasculopathy with onset in infancy. Also called: Sting-associated vasculopathy, infantile-onset. Identifiers: Orphanet 425120, MedGen C4014722, MONDO:0014405, OMIM 615934.

Allele frequency attached by ClinVar (database versions not stated): ExAC 0.00001; gnomAD 0.00002; gnomAD exomes 0.00002; TOPMed 0.00002.

Submissions (2):

CeGaT Center for Human Genetics Tuebingen
Classification: Likely benign. Last evaluated: 2025-11-01. Review status: criteria provided, single submitter. Criteria: CeGaT Center For Human Genetics Tuebingen Variant Classification Criteria Version 2. Collection method: clinical testing. Allele origin: germline. Affected: yes. Observed: 1 variant allele.
Comment: STING1: BP4, BP7

Labcorp Genetics (formerly Invitae), Labcorp
Classification: Likely benign for STING-associated vasculopathy with onset in infancy. Last evaluated: 2025-02-10. Review status: criteria provided, single submitter. Criteria: Invitae Variant Classification Sherloc (09022015). Collection method: clinical testing. Allele origin: germline.

NM_198282.4(STING1):c.735T>C (p.Tyr245=)

Gene: STING1 (stimulator of interferon response cGAMP interactor 1; minus strand). Cytogenetic location: 5q31.2.
Variant type: single nucleotide variant.
Coding change: c.735T>C on transcript NM_198282.4 (MANE Select); coding-DNA position 735, T replaced by C.
Protein change: p.Tyr245=; no amino-acid change (tyrosine 245 retained).
Molecular consequence: synonymous variant.
Genome position (GRCh38, 1-based): chr5:139,478,294, A>G on the plus strand (T>C on the coding strand, the complement: STING1 is on the minus strand). VCF-style: chr5-139478294-A-G. GRCh37 (hg19) VCF-style: chr5-138857879-A-G.
Other names: c.735T>C, p.Tyr245= (NM_001301738.2); c.378T>C, p.Tyr126= (NM_001367258.1).
Identifiers: ClinVar variation 2973883 (VCV002973883.9), dbSNP rs764721732, ClinGen allele CA3435336.